The following is an entry in ClinVar:

ClinVar aggregate classification (germline): Uncertain significance. Review status: criteria provided, multiple submitters, no conflicts (2 of 4 stars). 3 submissions from 3 submitters: Uncertain significance (3). Last evaluated 2025-01-12.

Conditions:
Epilepsy, childhood absence, susceptibility to, 6. Identifiers: Orphanet 64280, MedGen C2749872, MONDO:0012763, OMIM 611942.
Hyperaldosteronism, familial, type IV (HALD4). Also called: FH IV; ALDOSTERONISM, PRIMARY, AND HYPERTENSION. Identifiers: Orphanet 642671, MedGen C4310756, MONDO:0014875, OMIM 617027.
Idiopathic generalized epilepsy. Also called: EIG; Generalised epilepsy. Identifiers: MedGen C0270850, MONDO:0005579, OMIM 600669.

Submissions (3):

Labcorp Genetics (formerly Invitae), Labcorp
Classification: Uncertain significance for Idiopathic generalized epilepsy; Hyperaldosteronism, familial, type IV. Last evaluated: 2025-01-12. Review status: criteria provided, single submitter. Criteria: Invitae Variant Classification Sherloc (09022015). Collection method: clinical testing. Allele origin: germline.
Comment: This sequence change replaces alanine, which is neutral and non-polar, with phenylalanine, which is neutral and non-polar, at codon 1594 of the CACNA1H protein (p.Ala1594Phe). The frequency data for this variant in the population databases is considered unreliable, as metrics indicate poor data quality at this position in the gnomAD database. This variant has not been reported in the literature in individuals affected with CACNA1H-related conditions. ClinVar contains an entry for this variant (Variation ID: 460126). An algorithm developed to predict the effect of missense changes on protein structure and function (PolyPhen-2) suggests that this variant is likely to be disruptive. In summary, the available evidence is currently insufficient to determine the role of this variant in disease. Therefore, it has been classified as a Variant of Uncertain Significance.

Fulgent Genetics
Classification: Uncertain significance for Epilepsy, childhood absence, susceptibility to, 6; Hyperaldosteronism, familial, type IV. Last evaluated: 2024-06-24. Review status: criteria provided, single submitter. Criteria: ACMG Guidelines, 2015. Collection method: clinical testing. Allele origin: germline.

GeneDx
Classification: Uncertain significance. Last evaluated: 2018-05-23. Review status: criteria provided, single submitter. Criteria: GeneDx Variant Classification (06012015). Collection method: clinical testing. Allele origin: germline. Affected: yes.
Comment: A variant of uncertain significance has been identified in the CACNA1H gene. The c.4780_4781delGCinsTT variant has not been published as a pathogenic variant, nor has it been reported as a benign variant to our knowledge. The c.4780_4781delGCinsTT variant is observed in 11/11210 (0.1%) alleles from individuals of East Asian background in large population cohorts (Lek et al., 2016). The c.4780_4781delGCinsTT variant results in an in-frame change of a single Alanine residue to a Phenylalanine residue, denoted p.Ala1594Phe. The c.4780_4781delGCinsTT variant is a semi-conservative amino acid substitution, which may impact secondary protein structure as these residues differ in some properties. In-silico analyses, including protein predictors and evolutionary conservation, support a deleterious effect. Based on the currently available information, it is unclear whether this variant is a pathogenic variant or a rare benign variant.

NM_021098.3(CACNA1H):c.4780_4781delinsTT (p.Ala1594Phe)

Gene: CACNA1H (calcium voltage-gated channel subunit alpha1 H; plus strand). Cytogenetic location: 16p13.3.
Variant type: Indel.
Coding change: c.4780_4781delinsTT on transcript NM_021098.3 (MANE Select); coding-DNA positions 4780 to 4781, GC replaced by TT.
Protein change: p.Ala1594Phe; replaces alanine 1594 with phenylalanine.
Molecular consequence: missense variant.
Genome position (GRCh38, 1-based): chr16:1,213,782-1,213,783, GC replaced by TT. VCF-style: chr16-1213782-GC-TT. GRCh37 (hg19) VCF-style: chr16-1263782-GC-TT.
Other names: c.4762_4763delinsTT, p.Ala1588Phe (NM_001005407.2); short protein forms A1594F, A1588F.
Identifiers: ClinVar variation 460126 (VCV000460126.11), dbSNP rs1555518356, ClinGen allele CA658658331.